The following is an entry in ClinVar:

ClinVar aggregate classification (germline): Likely benign. Review status: criteria provided, single submitter (1 of 4 stars). 2 submissions from 2 submitters: Likely benign (1). 1 of the submissions does not count toward it. Last evaluated 2023-06-17.

Conditions:
ATP8B1-related disorder. Also called: ATP8B1-related condition; ATP8B1-related disorders.

Allele frequency attached by ClinVar (database versions not stated): ExAC 0.00002; gnomAD 0.00001; TOPMed 0.00001.
gnomAD v4.1: 19 of 1,613,964 alleles (0.0012%); highest among the groups gnomAD compares: Admixed American, 0.0067%; no homozygotes.

Submissions (2):

Labcorp Genetics (formerly Invitae), Labcorp
Classification: Likely benign. Last evaluated: 2023-06-17. Review status: criteria provided, single submitter. Criteria: Invitae Variant Classification Sherloc (09022015). Collection method: clinical testing. Allele origin: germline.

PreventionGenetics, part of Exact Sciences
Classification: Likely benign for ATP8B1-related condition. Last evaluated: 2024-02-14. Review status: no assertion criteria provided. Collection method: clinical testing. Allele origin: germline. Not counted in ClinVar's aggregate classification.
Comment: This variant is classified as likely benign based on ACMG/AMP sequence variant interpretation guidelines (Richards et al. 2015 PMID: 25741868, with internal and published modifications).

NM_001374385.1(ATP8B1):c.2961C>G (p.Leu987=)

Genes: ATP8B1 (ATPase phospholipid transporting 8B1; minus strand), ATP8B1-AS1 (ATP8B1 antisense RNA 1; plus strand). Cytogenetic location: 18q21.31.
Variant type: single nucleotide variant.
Coding change: c.2961C>G on transcript NM_001374385.1 (MANE Select); coding-DNA position 2961, C replaced by G.
Protein change: p.Leu987=; no amino-acid change (leucine 987 retained).
Molecular consequence: synonymous variant.
Genome position (GRCh38, 1-based): chr18:57,654,046, G>C on the plus strand (C>G on the coding strand, the complement: ATP8B1 is on the minus strand). VCF-style: chr18-57654046-G-C. GRCh37 (hg19) VCF-style: chr18-55321278-G-C.
Other names: c.2811C>G, p.Leu937= (NM_001374386.1); c.2961C>G, p.Leu987= (NM_005603.6); c.2961C>G (NM_005603.4).
Identifiers: ClinVar variation 3018712 (VCV003018712.5), dbSNP rs773365045, ClinGen allele CA8974111.